The following is an entry in ClinVar:

NM_000256.3(MYBPC3):c.503T>C (p.Val168Ala)

Gene: MYBPC3 (myosin binding protein C3; minus strand). Cytogenetic location: 11p11.2.
Variant type: single nucleotide variant.
Coding change: c.503T>C on transcript NM_000256.3 (MANE Select); coding-DNA position 503, T replaced by C.
Protein change: p.Val168Ala; replaces valine 168 with alanine.
Molecular consequence: missense variant.
Genome position (GRCh38, 1-based): chr11:47,350,016, A>G on the plus strand (T>C on the coding strand, the complement: MYBPC3 is on the minus strand). VCF-style: chr11-47350016-A-G. GRCh37 (hg19) VCF-style: chr11-47371567-A-G.
Other names: short protein forms V168A.
Identifiers: ClinVar variation 179989 (VCV000179989.24), dbSNP rs727505267, ClinGen allele CA015270.

ClinVar aggregate classification (germline): Conflicting classifications of pathogenicity. Review status: criteria provided, conflicting classifications (1 of 4 stars). 9 submissions from 9 submitters: Uncertain significance (4); Likely benign (5). Last evaluated 2026-09-08.

Conditions:
Cardiovascular phenotype. Identifiers: MedGen CN230736.
Cardiomyopathy (CMYO). Also called: Cardiomyopathies. Identifiers: Orphanet 167848, MedGen C0878544, MONDO:0004994, HP:0001638. Inheritance: Various modes of inheritance.
Hypertrophic cardiomyopathy. Also called: HYPERTROPHIC MYOCARDIOPATHY. Identifiers: Orphanet 217569, MedGen C0007194, MeSH D002312, MONDO:0005045, HP:0001639.

Allele frequency attached by ClinVar (database versions not stated): gnomAD below 0.00001 and 0.00002; TOPMed below 0.00001; gnomAD exomes 0.00004 and 0.00007; ExAC 0.00008; 1000 Genomes Project 30x 0.00031.
gnomAD v4.1: 64 of 1,560,094 alleles (0.0041%); highest among the groups gnomAD compares: South Asian, 0.074%; 2 homozygotes.

Submissions (9):

GeneDx
Classification: Uncertain significance. Last evaluated: 2026-09-08. Review status: criteria provided, single submitter. Criteria: GeneDx Variant Classification Process June 2021. Collection method: clinical testing. Allele origin: germline.
Comment: In silico analysis suggests that this missense variant does not alter protein structure/function; Reported in association with unexplained cardiac arrest in published literature (PMID: 28600387); This variant is associated with the following publications: (PMID: 35352813, 28600387)

Labcorp Genetics (formerly Invitae), Labcorp
Classification: Uncertain significance for Hypertrophic cardiomyopathy. Last evaluated: 2026-01-28. Review status: criteria provided, single submitter. Criteria: Invitae Variant Classification Sherloc (09022015). Collection method: clinical testing. Allele origin: germline.
Comment: This sequence change replaces valine, which is neutral and non-polar, with alanine, which is neutral and non-polar, at codon 168 of the MYBPC3 protein (p.Val168Ala). This variant is present in population databases (rs727505267, gnomAD 0.06%), and has an allele count higher than expected for a pathogenic variant. This variant has not been reported in the literature in individuals affected with MYBPC3-related conditions. ClinVar contains an entry for this variant (Variation ID: 179989). An algorithm developed to predict the effect of missense changes on protein structure and function outputs the following: PolyPhen-2: "Benign". The alanine amino acid residue is found in multiple mammalian species, which suggests that this missense change does not adversely affect protein function. In summary, the available evidence is currently insufficient to determine the role of this variant in disease. Therefore, it has been classified as a Variant of Uncertain Significance.

Revvity Omics, Revvity
Classification: Uncertain significance. Last evaluated: 2025-05-20. Review status: criteria provided, single submitter. Criteria: ACMG Guidelines, 2015. Collection method: clinical testing. Allele origin: germline.

Color Diagnostics, LLC DBA Color Health
Classification: Likely benign for Cardiomyopathy. Last evaluated: 2024-09-03. Review status: criteria provided, single submitter. Criteria: ACMG Guidelines, 2015. Collection method: clinical testing. Allele origin: germline.

All of Us Research Program, National Institutes of Health
Classification: Likely benign for Hypertrophic cardiomyopathy. Last evaluated: 2023-10-06. Review status: criteria provided, single submitter. Criteria: ACMG Guidelines, 2015. Collection method: clinical testing. Allele origin: germline. Inheritance: Autosomal dominant inheritance. Observed: 1 variant allele, 1 heterozygote.
Comment: This study involves interpretation of variants in research participants for the purpose of population health screening. Participant phenotype was not available at the time of variant classification. Additional details can be found in publication PMID: 35346344, PMCID: PMC8962531

Blueprint Genetics
Classification: Likely benign. Last evaluated: 2021-09-05. Review status: criteria provided, single submitter. Criteria: ACMG Guidelines, 2015. Collection method: clinical testing. Allele origin: germline.

Ambry Genetics
Classification: Uncertain significance for Cardiovascular phenotype. Last evaluated: 2019-05-30. Review status: criteria provided, single submitter. Criteria: Ambry Variant Classification Scheme 2023. Collection method: clinical testing. Allele origin: germline.
Comment: The p.V168A variant (also known as c.503T>C), located in coding exon 4 of the MYBPC3 gene, results from a T to C substitution at nucleotide position 503. The valine at codon 168 is replaced by alanine, an amino acid with similar properties. This alteration has been reported in an unexplained cardiac arrest survivor; however, clinical details were limited (Mellor G et al. Circ Cardiovasc Genet, 2017 Jun;10:e001686). This amino acid position is not well conserved in available vertebrate species, and alanine is the reference amino acid in other vertebrate species. In addition, this alteration is predicted to be tolerated by in silico analysis. Since supporting evidence is limited at this time, the clinical significance of this alteration remains unclear.

CHEO Genetics Diagnostic Laboratory, Children's Hospital of Eastern Ontario
Classification: Likely benign for Cardiomyopathy. Last evaluated: 2019-01-07. Review status: criteria provided, single submitter. Criteria: ACMG Guidelines, 2015. Collection method: clinical testing. Allele origin: germline.

Laboratory for Molecular Medicine, Mass General Brigham Personalized Medicine
Classification: Likely benign. Last evaluated: 2014-09-24. Review status: criteria provided, single submitter. Criteria: LMM Criteria. Collection method: clinical testing. Allele origin: germline. Observed: 1 variant allele.
Comment: Val168Ala in exon 4 of MYBPC3: This variant is not expected to have clinical sig nificance due to a lack of conservation across species, including mammals. Of no te, 8 mammals (Chinese tree shrew, dolphin, killer whale, cat, dog, ferret, elep hant, manatee) have an alanine (Ala) at this position despite high nearby amino acid conservation. In addition, this variant was predicted to be benign using a computational tool clinically validated by our laboratory. This tool's benign pr ediction is estimated to be correct 89% of the time (Jordan 2011).

Literature cited by the submitters: PubMed 28600387 (cited by Ambry Genetics).